The following is an entry in ClinVar:

NM_000093.5(COL5A1):c.4266_4285del (p.Ile1425fs)

Gene: COL5A1 (collagen type V alpha 1 chain; plus strand). Cytogenetic location: 9q34.3.
Variant type: Deletion.
Coding change: c.4266_4285del on transcript NM_000093.5 (MANE Select); coding-DNA positions 4266 to 4285, 20 bases deleted (TGGCCCCATCGGCCCCCAGG).
Protein change: p.Ile1425fs; shifts the reading frame from isoleucine 1425.
Molecular consequence: frameshift variant.
Genome position (GRCh38, 1-based): chr9:134,818,691-134,818,710, TGGCCCCATCGGCCCCCAGG deleted. VCF-style (leftmost placement, unchanged base first): chr9-134818690-CTGGCCCCATCGGCCCCCAGG-C. GRCh37 (hg19) VCF-style: chr9-137710536-CTGGCCCCATCGGCCCCCAGG-C.
Other names: c.4266_4285del, p.Ile1425fs (NM_001278074.1); short protein forms I1425fs.
Identifiers: ClinVar variation 2855042 (VCV002855042.3), dbSNP rs2490849827, ClinGen allele CA2739265215.

ClinVar aggregate classification (germline): Pathogenic (1 of 4 stars; one submission).

Conditions:
Ehlers-Danlos syndrome, classic type, 1 (EDSCL1). Also called: EHLERS-DANLOS SYNDROME, GRAVIS TYPE; EHLERS-DANLOS SYNDROME, SEVERE CLASSIC TYPE; Ehlers-Danlos syndrome, type 1; Ehlers-Danlos Syndrome, Classic Type, COL5A1-Related; EDS I. Identifiers: MedGen C0268335, MONDO:0019567, OMIM 130000.

Submission:

Labcorp Genetics (formerly Invitae), Labcorp
Classification: Pathogenic for Ehlers-Danlos syndrome, classic type, 1. Last evaluated: 2023-04-11. Review status: criteria provided, single submitter. Criteria: Invitae Variant Classification Sherloc (09022015). Collection method: clinical testing. Allele origin: germline.
Comment: For these reasons, this variant has been classified as Pathogenic. This variant has not been reported in the literature in individuals affected with COL5A1-related conditions. This variant is not present in population databases (gnomAD no frequency). This sequence change creates a premature translational stop signal (p.Ile1425Trpfs*50) in the COL5A1 gene. It is expected to result in an absent or disrupted protein product. Loss-of-function variants in COL5A1 are known to be pathogenic (PMID: 23587214).

Literature cited by the submitters: PubMed 23587214.